The following is an entry in ClinVar:

NM_025114.4(CEP290):c.5986T>G (p.Leu1996Val)

Gene: CEP290 (centrosomal protein 290; minus strand). Cytogenetic location: 12q21.32.
Variant type: single nucleotide variant.
Coding change: c.5986T>G on transcript NM_025114.4 (MANE Select); coding-DNA position 5986, T replaced by G.
Protein change: p.Leu1996Val; replaces leucine 1996 with valine.
Molecular consequence: missense variant.
Genome position (GRCh38, 1-based): chr12:88,071,319, A>C on the plus strand (T>G on the coding strand, the complement: CEP290 is on the minus strand). VCF-style: chr12-88071319-A-C. GRCh37 (hg19) VCF-style: chr12-88465096-A-C.
Other names: short protein forms L1996V.
Identifiers: ClinVar variation 2159528 (VCV002159528.2), dbSNP rs1460342479, ClinGen allele CA385983305.

ClinVar aggregate classification (germline): Uncertain significance (1 of 4 stars; one submission).

Conditions:
Joubert syndrome. Also called: CEREBELLOPARENCHYMAL DISORDER IV; JOUBERT-BOLTSHAUSER SYNDROME; Familial aplasia of the vermis. Identifiers: Orphanet 475, MedGen C5979921, MONDO:0018772.
Nephronophthisis. Also called: Juvenile Nephronophthisis. Identifiers: Orphanet 655, MedGen C0687120, MONDO:0019005, HP:0000090.
Meckel-Gruber syndrome. Also called: DYSENCEPHALIA SPLANCHNOCYSTICA; GRUBER SYNDROME; Dysencephalia splachnocystica. Identifiers: Orphanet 564, MedGen C0265215, MONDO:0018921.

Allele frequency attached by ClinVar (database versions not stated): TOPMed 0.00001; gnomAD 0.00001.
gnomAD v4.1: 2 of 1,606,376 alleles (0.00012%); highest among the groups gnomAD compares: Non-Finnish European, 0.00017%; no homozygotes.

Submission:

Labcorp Genetics (formerly Invitae), Labcorp
Classification: Uncertain significance for Joubert syndrome; Meckel-Gruber syndrome; Nephronophthisis. Last evaluated: 2025-01-13. Review status: criteria provided, single submitter. Criteria: Invitae Variant Classification Sherloc (09022015). Collection method: clinical testing. Allele origin: germline.
Comment: This sequence change replaces leucine, which is neutral and non-polar, with valine, which is neutral and non-polar, at codon 1996 of the CEP290 protein (p.Leu1996Val). This variant is present in population databases (no rsID available, gnomAD 0.007%). This variant has not been reported in the literature in individuals affected with CEP290-related conditions. ClinVar contains an entry for this variant (Variation ID: 2159528). Invitae Evidence Modeling of protein sequence and biophysical properties (such as structural, functional, and spatial information, amino acid conservation, physicochemical variation, residue mobility, and thermodynamic stability) indicates that this missense variant is expected to disrupt CEP290 protein function with a positive predictive value of 80%. In summary, the available evidence is currently insufficient to determine the role of this variant in disease. Therefore, it has been classified as a Variant of Uncertain Significance.